The following is an entry in ClinVar:

ClinVar aggregate classification (germline): Pathogenic (1 of 4 stars; one submission).

Conditions:
Hypohidrotic X-linked ectodermal dysplasia (XHED). Also called: ECTODERMAL DYSPLASIA, HYPOHIDROTIC, 1; CST SYNDROME; ECTODERMAL DYSPLASIA 1; Anhidrotic ectodermal dysplasia X-linked; Christ Siemens Touraine syndrome; ECTODERMAL DYSPLASIA 1, HYPOHIDROTIC, X-LINKED. Identifiers: Orphanet 181, Orphanet 238468, MedGen C0162359, MONDO:0010585, OMIM 305100.

Submission:

Labcorp Genetics (formerly Invitae), Labcorp
Classification: Pathogenic for Hypohidrotic X-linked ectodermal dysplasia. Last evaluated: 2024-06-01. Review status: criteria provided, single submitter. Criteria: Invitae Variant Classification Sherloc (09022015). Collection method: clinical testing. Allele origin: germline.
Comment: This sequence change creates a premature translational stop signal (p.Tyr311Thrfs*63) in the EDA gene. While this is not anticipated to result in nonsense mediated decay, it is expected to disrupt the last 81 amino acid(s) of the EDA protein. This variant is not present in population databases (gnomAD no frequency). This variant has not been reported in the literature in individuals affected with EDA-related conditions. This variant disrupts a region of the EDA protein in which other variant(s) (p.Tyr320Asp) have been determined to be pathogenic (Invitae). This suggests that this is a clinically significant region of the protein, and that variants that disrupt it are likely to be disease-causing. For these reasons, this variant has been classified as Pathogenic.

NM_001399.5(EDA):c.931del (p.Tyr311fs)

Gene: EDA (ectodysplasin A; plus strand). Cytogenetic location: Xq13.1.
Variant type: Deletion.
Coding change: c.931del on transcript NM_001399.5 (MANE Select); coding-DNA position 931, one base deleted (T; older notation c.931delT).
Protein change: p.Tyr311fs; shifts the reading frame from tyrosine 311.
Molecular consequence: frameshift variant.
Genome position (GRCh38, 1-based): chrX:70,035,364, T deleted. VCF-style (leftmost placement, unchanged base first): chrX-70035363-CT-C. GRCh37 (hg19) VCF-style: chrX-69255213-CT-C.
Other names: c.925del, p.Tyr309fs (NM_001005609.2); c.916del, p.Tyr306fs (NM_001005612.3); short protein forms Y309fs, Y311fs, Y306fs.
Identifiers: ClinVar variation 3655263 (VCV003655263.2).